The following is an entry in ClinVar:

NM_003072.5(SMARCA4):c.1081C>A (p.Leu361Ile)

Gene: SMARCA4 (SWI/SNF related BAF chromatin remodeling complex subunit ATPase 4; plus strand). Cytogenetic location: 19p13.2.
Variant type: single nucleotide variant.
Coding change: c.1081C>A on transcript NM_003072.5 (MANE Select); coding-DNA position 1081, C replaced by A.
Protein change: p.Leu361Ile; replaces leucine 361 with isoleucine.
Molecular consequence: missense variant. On other transcripts: non-coding transcript variant (1).
Genome position (GRCh38, 1-based): chr19:10,987,887, C>A. VCF-style: chr19-10987887-C-A. GRCh37 (hg19) VCF-style: chr19-11098563-C-A.
Other names: c.1081C>A, p.Leu361Ile (NM_001128844.3, NM_001128845.2, NM_001128846.2 and 5 more transcripts); c.1081C>A (NM_001128849.1); short protein forms L361I.
Identifiers: ClinVar variation 1351306 (VCV001351306.9), dbSNP rs1222895303, ClinGen allele CA404058822.
Genomic context (GRCh38, chr19:10,987,887, plus strand): 5'-CCCATGGTGCCACTGCACCAGAAGCAGAGCCGCATCACCCCCATCCAGAAGCCGCGGGGC[C>A]TCGACCCTGTGGAGATCCTGCAGGAGCGCGAGTACAGGTGAGGGCGGGGCCCAGTTGCCA-3'
Protein context (NP_003063.2, residues 351-371): RITPIQKPRG[Leu361Ile]DPVEILQERE

ClinVar aggregate classification (germline): Uncertain significance. Review status: criteria provided, multiple submitters, no conflicts (2 of 4 stars). 2 submissions from 2 submitters: Uncertain significance (2). Last evaluated 2026-02-10.

Conditions:
Rhabdoid tumor predisposition syndrome 2 (RTPS2). Identifiers: Orphanet 231108, Orphanet 69077, MedGen C2750074, MONDO:0013224, OMIM 613325.
Hereditary cancer-predisposing syndrome. Also called: Hereditary neoplastic syndrome; Tumor predisposition; Neoplastic Syndromes, Hereditary; Hereditary Cancer Syndrome. Identifiers: Orphanet 140162, MedGen C0027672, MeSH D009386, MONDO:0015356.

Submissions (2):

Ambry Genetics
Classification: Uncertain significance for Hereditary cancer-predisposing syndrome. Last evaluated: 2026-02-10. Review status: criteria provided, single submitter. Criteria: Ambry Variant Classification Scheme 2023. Collection method: clinical testing. Allele origin: germline.
Comment: The p.L361I variant (also known as c.1081C>A), located in coding exon 5 of the SMARCA4 gene, results from a C to A substitution at nucleotide position 1081. The leucine at codon 361 is replaced by isoleucine, an amino acid with highly similar properties. This amino acid position is highly conserved in available vertebrate species. In addition, the in silico prediction for this alteration is inconclusive. Based on the available evidence, the clinical significance of this variant remains unclear.

Labcorp Genetics (formerly Invitae), Labcorp
Classification: Uncertain significance for Rhabdoid tumor predisposition syndrome 2. Last evaluated: 2020-11-25. Review status: criteria provided, single submitter. Criteria: Invitae Variant Classification Sherloc (09022015). Collection method: clinical testing. Allele origin: germline.
Comment: This sequence change replaces leucine with isoleucine at codon 361 of the SMARCA4 protein (p.Leu361Ile). The leucine residue is highly conserved and there is a small physicochemical difference between leucine and isoleucine. This variant is not present in population databases (ExAC no frequency). This variant has not been reported in the literature in individuals with SMARCA4-related conditions. Algorithms developed to predict the effect of missense changes on protein structure and function are either unavailable or do not agree on the potential impact of this missense change (SIFT: "Deleterious"; PolyPhen-2: "Benign"; Align-GVGD: "Class C0"). In summary, the available evidence is currently insufficient to determine the role of this variant in disease. Therefore, it has been classified as a Variant of Uncertain Significance.